The following is an entry in ClinVar:

ClinVar aggregate classification (germline): Uncertain significance (1 of 4 stars; one submission).

Conditions:
Multiple congenital exostosis (EXT). Also called: MULTIPLE CARTILAGINOUS EXOSTOSES; Hereditary multiple osteochondromas; Hereditary multiple exostoses; Hereditary multiple exostosis; Multiple osteochondromas; Multiple exostoses. Identifiers: Orphanet 321, MedGen C0015306, MONDO:0005508, HP:0002762.

Allele frequency attached by ClinVar (database versions not stated): TOPMed 0.00001; ESP Exome Variant Server 0.00008; gnomAD 0.00002; gnomAD exomes 0.00002.
gnomAD v4.1: 37 of 1,613,812 alleles (0.0023%); highest among the groups gnomAD compares: Middle Eastern, 0.016%; no homozygotes.

Submission:

Labcorp Genetics (formerly Invitae), Labcorp
Classification: Uncertain significance for Multiple congenital exostosis. Last evaluated: 2023-09-06. Review status: criteria provided, single submitter. Criteria: Invitae Variant Classification Sherloc (09022015). Collection method: clinical testing. Allele origin: germline.
Comment: In summary, the available evidence is currently insufficient to determine the role of this variant in disease. Therefore, it has been classified as a Variant of Uncertain Significance. Advanced modeling of protein sequence and biophysical properties (such as structural, functional, and spatial information, amino acid conservation, physicochemical variation, residue mobility, and thermodynamic stability) performed at Invitae indicates that this missense variant is expected to disrupt EXT1 protein function. This variant has not been reported in the literature in individuals affected with EXT1-related conditions. This variant is present in population databases (rs146983754, gnomAD 0.0009%). This sequence change replaces aspartic acid, which is acidic and polar, with asparagine, which is neutral and polar, at codon 382 of the EXT1 protein (p.Asp382Asn).

NM_000127.3(EXT1):c.1144G>A (p.Asp382Asn)

Gene: EXT1 (exostosin glycosyltransferase 1; minus strand). Cytogenetic location: 8q24.11.
Variant type: single nucleotide variant.
Coding change: c.1144G>A on transcript NM_000127.3 (MANE Select); coding-DNA position 1144, G replaced by A.
Protein change: p.Asp382Asn; replaces aspartic acid 382 with asparagine.
Molecular consequence: missense variant.
Genome position (GRCh38, 1-based): chr8:117,835,464, C>T on the plus strand (G>A on the coding strand, the complement: EXT1 is on the minus strand). VCF-style: chr8-117835464-C-T. GRCh37 (hg19) VCF-style: chr8-118847703-C-T.
Other names: short protein forms D382N.
Identifiers: ClinVar variation 2856326 (VCV002856326.3), dbSNP rs146983754, ClinGen allele CA184296527.